The following is an entry in ClinVar:

ClinVar aggregate classification (germline): Uncertain significance (1 of 4 stars; one submission).

Conditions:
Achondrogenesis, type IA (ACG1A). Identifiers: Orphanet 932, Orphanet 93299, MedGen C0265273, MONDO:0008701, OMIM 200600.

Submission:

Labcorp Genetics (formerly Invitae), Labcorp
Classification: Uncertain significance for Achondrogenesis, type IA. Last evaluated: 2022-08-10. Review status: criteria provided, single submitter. Criteria: Invitae Variant Classification Sherloc (09022015). Collection method: clinical testing. Allele origin: germline.
Comment: This sequence change replaces leucine, which is neutral and non-polar, with phenylalanine, which is neutral and non-polar, at codon 1803 of the TRIP11 protein (p.Leu1803Phe). This variant is not present in population databases (gnomAD no frequency). In summary, the available evidence is currently insufficient to determine the role of this variant in disease. Therefore, it has been classified as a Variant of Uncertain Significance. Algorithms developed to predict the effect of missense changes on protein structure and function output the following: SIFT: "Not Available"; PolyPhen-2: "Benign"; Align-GVGD: "Not Available". The phenylalanine amino acid residue is found in multiple mammalian species, which suggests that this missense change does not adversely affect protein function. This variant has not been reported in the literature in individuals affected with TRIP11-related conditions.

NM_004239.4(TRIP11):c.5409A>T (p.Leu1803Phe)

Gene: TRIP11 (thyroid hormone receptor interactor 11; minus strand). Cytogenetic location: 14q32.12.
Variant type: single nucleotide variant.
Coding change: c.5409A>T on transcript NM_004239.4 (MANE Select); coding-DNA position 5409, A replaced by T.
Protein change: p.Leu1803Phe; replaces leucine 1803 with phenylalanine.
Molecular consequence: missense variant.
Genome position (GRCh38, 1-based): chr14:91,975,220, T>A on the plus strand (A>T on the coding strand, the complement: TRIP11 is on the minus strand). VCF-style: chr14-91975220-T-A. GRCh37 (hg19) VCF-style: chr14-92441564-T-A.
Other names: c.5406A>T, p.Leu1802Phe (NM_001321851.1); short protein forms L1802F, L1803F.
Identifiers: ClinVar variation 1715631 (VCV001715631.5), dbSNP rs2542959900, ClinGen allele CA390644535.
Genomic context (GRCh38, chr14:91,975,220, plus strand): 5'-TCGTCCAGTCACCTGCTCCATCTCCTCCCTTCTGACGCCCAGGATGCTCCCCATTAACCG[T>A]AACACTTCATGACGCTGATTTTTCGGTGTGTGGAAATGACCAATGAAGAGGTTTCTCATT-3'
Protein context (NP_004230.2, residues 1793-1813): HTPKNQRHEV[Leu1803Phe]RLMGSILGVR